The following is an entry in ClinVar:

ClinVar aggregate classification (germline): Uncertain significance. Review status: criteria provided, single submitter (1 of 4 stars). 2 submissions from 2 submitters: Uncertain significance (1). 1 of the submissions does not count toward it. Last evaluated 2022-06-13.

Conditions:
Leber congenital amaurosis 5 (LCA5). Also called: Amaurosis congenita of Leber, type 5. Identifiers: Orphanet 65, MedGen C1858301, MONDO:0011473, OMIM 604537.

Allele frequency attached by ClinVar (database versions not stated): ExAC 0.00002; gnomAD exomes 0.00002; TOPMed 0.00005; ESP Exome Variant Server 0.00008.
gnomAD v4.1: 25 of 1,613,502 alleles (0.0015%); highest among the groups gnomAD compares: African/African-American, 0.0094%; no homozygotes.

Submissions (2):

Labcorp Genetics (formerly Invitae), Labcorp
Classification: Uncertain significance. Last evaluated: 2022-06-13. Review status: criteria provided, single submitter. Criteria: Invitae Variant Classification Sherloc (09022015). Collection method: clinical testing. Allele origin: germline.
Comment: This sequence change replaces arginine, which is basic and polar, with cysteine, which is neutral and slightly polar, at codon 174 of the LCA5 protein (p.Arg174Cys). This variant is present in population databases (rs374629518, gnomAD 0.01%). This variant has not been reported in the literature in individuals affected with LCA5-related conditions. ClinVar contains an entry for this variant (Variation ID: 1011980). Algorithms developed to predict the effect of missense changes on protein structure and function are either unavailable or do not agree on the potential impact of this missense change (SIFT: "Deleterious"; PolyPhen-2: "Possibly Damaging"; Align-GVGD: "Class C0"). In summary, the available evidence is currently insufficient to determine the role of this variant in disease. Therefore, it has been classified as a Variant of Uncertain Significance.

Natera, Inc.
Classification: Uncertain significance for Leber congenital amaurosis type 5. Last evaluated: 2020-04-14. Review status: no assertion criteria provided. Collection method: clinical testing. Allele origin: germline. Not counted in ClinVar's aggregate classification.

NM_001122769.3(LCA5):c.520C>T (p.Arg174Cys)

Gene: LCA5 (lebercilin LCA5; minus strand). Cytogenetic location: 6q14.1.
Variant type: single nucleotide variant.
Coding change: c.520C>T on transcript NM_001122769.3 (MANE Select); coding-DNA position 520, C replaced by T.
Protein change: p.Arg174Cys; replaces arginine 174 with cysteine.
Molecular consequence: missense variant.
Genome position (GRCh38, 1-based): chr6:79,513,412, G>A on the plus strand (C>T on the coding strand, the complement: LCA5 is on the minus strand). VCF-style: chr6-79513412-G-A. GRCh37 (hg19) VCF-style: chr6-80223129-G-A.
Other names: c.520C>T, p.Arg174Cys (NM_181714.4); short protein forms R174C.
Identifiers: ClinVar variation 1011980 (VCV001011980.7), dbSNP rs374629518, ClinGen allele CA3901105.